The following is an entry in ClinVar:

NG_008365.2(SRD5A2):g.87047G>C

Gene: SRD5A2 (steroid 5 alpha-reductase 2; minus strand). Cytogenetic location: 2p23.1.
Variant type: single nucleotide variant.
Genome position: GRCh38 VCF-style: chr2-31580962-C-G. GRCh37 (hg19) VCF-style: chr2-31806031-C-G.
Identifiers: ClinVar variation 97386 (VCV000097386.12), dbSNP rs632148, ClinGen allele CA224877.

ClinVar aggregate classification (germline): Benign. Review status: criteria provided, multiple submitters, no conflicts (2 of 4 stars). 5 submissions from 5 submitters: Benign (4). 1 of the submissions does not count toward it. Last evaluated 2021-07-15.

Conditions:
3-Oxo-5 alpha-steroid delta 4-dehydrogenase deficiency (PPSH). Also called: PSEUDOVAGINAL PERINEOSCROTAL HYPOSPADIAS; 46,XY disorder of sex development due to 5-alpha-reductase 2 deficiency; FAMILIAL INCOMPLETE MALE PSEUDOHERMAPHRODITISM, TYPE 2; MALE PSEUDOHERMAPHRODITISM DUE TO 5-ALPHA-REDUCTASE DEFICIENCY. Identifiers: Orphanet 753, MedGen C0268297, MONDO:0009923, OMIM 264600. Disease mechanism: loss of function.

Allele frequency attached by ClinVar (database versions not stated): TOPMed 0.68248; gnomAD 0.68480 and 0.68927; 1000 Genomes Project 30x 0.64116; 1000 Genomes Project 0.64038.
gnomAD v4.1: 1,047,088 of 1,528,114 alleles (69%); highest among the groups gnomAD compares: Middle Eastern, 72%; 359,944 homozygotes.

Submissions (5):

Genome-Nilou Lab
Classification: Benign for 3-Oxo-5 alpha-steroid delta 4-dehydrogenase deficiency. Last evaluated: 2021-07-15. Review status: criteria provided, single submitter. Criteria: ACMG Guidelines, 2015. Collection method: clinical testing. Allele origin: germline. Affected: no.

Illumina Laboratory Services, Illumina
Classification: Benign for 3-Oxo-5 alpha-steroid delta 4-dehydrogenase deficiency. Last evaluated: 2018-01-13. Review status: criteria provided, single submitter. Criteria: ICSL Variant Classification Criteria 13 December 2019. Collection method: clinical testing. Allele origin: germline.
Comment: This variant was observed in the ICSL laboratory as part of a predisposition screen in an ostensibly healthy population. It had not been previously curated by ICSL or reported in the Human Gene Mutation Database (HGMD: prior to June 1st, 2018), and was therefore a candidate for classification through an automated scoring system. Utilizing variant allele frequency, disease prevalence and penetrance estimates, and inheritance mode, an automated score was calculated to assess if this variant is too frequent to cause the disease. Based on the score and internal cut-off values, a variant classified as benign is not then subjected to further curation. The score for this variant resulted in a classification of benign for this disease.

GeneDx
Classification: Benign. Last evaluated: 2015-03-03. Review status: criteria provided, single submitter. Criteria: GeneDx Variant Classification Process June 2021. Collection method: clinical testing. Allele origin: germline. Affected: yes.

Breakthrough Genomics
Classification: Benign. Review status: criteria provided, single submitter. Criteria: ACMG Guidelines, 2015. Collection method: not provided. Allele origin: germline. Inheritance: Autosomal recessive inheritance. Affected: yes.

University of Sydney Medical Foundation
No classification provided. Review status: no classification provided. Collection method: not provided. Allele origin: not provided. Not counted in ClinVar's aggregate classification.